The following is an entry in ClinVar:

ClinVar aggregate classification (germline): Uncertain significance (1 of 4 stars; one submission).

Allele frequency attached by ClinVar (database versions not stated): gnomAD exomes below 0.00001; ExAC 0.00001; gnomAD 0.00001; ESP Exome Variant Server 0.00008.
gnomAD v4.1: 4 of 1,613,550 alleles (0.00025%); highest among the groups gnomAD compares: Admixed American, 0.0017%; no homozygotes.

Submission:

Ambry Genetics
Classification: Uncertain significance. Last evaluated: 2023-11-15. Review status: criteria provided, single submitter. Criteria: Ambry Variant Classification Scheme 2023. Collection method: clinical testing. Allele origin: germline.
Comment: The p.G389S variant (also known as c.1165G>A), located in coding exon 3 of the ALPK2 gene, results from a G to A substitution at nucleotide position 1165. The glycine at codon 389 is replaced by serine, an amino acid with similar properties. This amino acid position is conserved. In addition, this alteration is predicted to be tolerated by in silico analysis. Since supporting evidence is limited at this time, the clinical significance of this alteration remains unclear.

NM_052947.4(ALPK2):c.1165G>A (p.Gly389Ser)

Genes: ALPK2 (alpha kinase 2; minus strand), LOC114803473 (ALPK2 eExon liver enhancer; plus strand). Cytogenetic location: 18q21.31.
Variant type: single nucleotide variant.
Coding change: c.1165G>A on transcript NM_052947.4 (MANE Select); coding-DNA position 1165, G replaced by A.
Protein change: p.Gly389Ser; replaces glycine 389 with serine.
Molecular consequence: missense variant.
Genome position (GRCh38, 1-based): chr18:58,579,611, C>T on the plus strand (G>A on the coding strand, the complement: ALPK2 is on the minus strand). VCF-style: chr18-58579611-C-T. GRCh37 (hg19) VCF-style: chr18-56246843-C-T.
Other names: short protein forms G389S.
Identifiers: ClinVar variation 1738081 (VCV001738081.2), dbSNP rs139795581, ClinGen allele CA8977306.